The following is an entry in ClinVar:

ClinVar aggregate classification (germline): Conflicting classifications of pathogenicity. Review status: criteria provided, conflicting classifications (1 of 4 stars). 8 submissions from 8 submitters: Uncertain significance (2); Benign (1); Likely benign (5). Last evaluated 2026-01-14.

Conditions:
Duchenne muscular dystrophy (DMD). Also called: Duchenne Muscular Dystrophy (DMD); MUSCULAR DYSTROPHY, PSEUDOHYPERTROPHIC PROGRESSIVE, DUCHENNE TYPE. Identifiers: Orphanet 98896, MedGen C0013264, MONDO:0010679, OMIM 310200.

Allele frequency attached by ClinVar (database versions not stated): ExAC 0.00001; gnomAD 0.00001; TOPMed 0.00001; gnomAD exomes 0.00002 and 0.00005.
gnomAD v4.1: 57 of 1,205,056 alleles (0.0047%); highest among the groups gnomAD compares: Middle Eastern, 0.89%; 2 homozygotes.

Submissions (8):

Labcorp Genetics (formerly Invitae), Labcorp
Classification: Benign for Duchenne muscular dystrophy. Last evaluated: 2026-01-14. Review status: criteria provided, single submitter. Criteria: Invitae Variant Classification Sherloc (09022015). Collection method: clinical testing. Allele origin: germline.

Blueprint Genetics
Classification: Likely benign. Last evaluated: 2024-09-27. Review status: criteria provided, single submitter. Criteria: ACMG Guidelines, 2015. Collection method: clinical testing. Allele origin: germline.

Genomic Medicine Center of Excellence, King Faisal Specialist Hospital and Research Centre
Classification: Likely benign for Duchenne muscular dystrophy. Last evaluated: 2024-09-22. Review status: criteria provided, single submitter. Criteria: ACMG Guidelines, 2015. Collection method: clinical testing. Allele origin: germline.

Revvity Omics, Revvity
Classification: Uncertain significance. Last evaluated: 2023-07-17. Review status: criteria provided, single submitter. Criteria: ACMG Guidelines, 2015. Collection method: clinical testing. Allele origin: germline.

Mayo Clinic Laboratories, Mayo Clinic
Classification: Uncertain significance. Last evaluated: 2019-04-29. Review status: criteria provided, single submitter. Criteria: ACMG Guidelines, 2015. Collection method: clinical testing. Allele origin: germline. Observed: 1 variant allele.

GeneDx
Classification: Likely benign. Last evaluated: 2018-10-17. Review status: criteria provided, single submitter. Criteria: GeneDx Variant Classification Process June 2021. Collection method: clinical testing. Allele origin: germline. Affected: yes.
Comment: This variant is associated with the following publications: (PMID: 29847600)

Eurofins Ntd Llc (ga)
Classification: Likely benign. Last evaluated: 2015-12-15. Review status: criteria provided, single submitter. Criteria: EGL Classification Definitions 2015. Collection method: clinical testing. Allele origin: germline. Observed: 3 variant alleles, 2 heterozygotes, 1 homozygote.

PreventionGenetics, part of Exact Sciences
Classification: Likely benign. Review status: criteria provided, single submitter. Criteria: ACMG Guidelines, 2015. Collection method: clinical testing. Allele origin: germline.

NM_004006.3(DMD):c.7016A>G (p.His2339Arg)

Gene: DMD (dystrophin; minus strand). Cytogenetic location: Xp21.1.
Variant type: single nucleotide variant.
Coding change: c.7016A>G on transcript NM_004006.3 (MANE Select); coding-DNA position 7016, A replaced by G.
Protein change: p.His2339Arg; replaces histidine 2339 with arginine.
Molecular consequence: missense variant. On other transcripts: 5 prime UTR variant (5).
Genome position (GRCh38, 1-based): chrX:31,875,270, T>C on the plus strand (A>G on the coding strand, the complement: DMD is on the minus strand). VCF-style: chrX-31875270-T-C. GRCh37 (hg19) VCF-style: chrX-31893387-T-C.
Other names: p.H2339R:CAT>CGT; c.6992A>G, p.His2331Arg (NM_000109.4); c.7004A>G, p.His2335Arg (NM_004009.3); c.6647A>G, p.His2216Arg (NM_004010.3); c.2993A>G, p.His998Arg (NM_004011.4); c.2984A>G, p.His995Arg (NM_004012.4); c.-365A>G (NM_004013.3, NM_004020.4, NM_004021.3 and 2 more transcripts); short protein forms H2216R, H2335R, H995R, H2331R, H998R.
Identifiers: ClinVar variation 94755 (VCV000094755.20), dbSNP rs398124041, ClinGen allele CA285598.